The following is an entry in ClinVar:

NM_000292.3(PHKA2):c.1787G>A (p.Gly596Glu)

Gene: PHKA2 (phosphorylase kinase regulatory subunit alpha 2; minus strand). Cytogenetic location: Xp22.13.
Variant type: single nucleotide variant.
Coding change: c.1787G>A on transcript NM_000292.3 (MANE Select); coding-DNA position 1787, G replaced by A.
Protein change: p.Gly596Glu; replaces glycine 596 with glutamic acid.
Molecular consequence: missense variant.
Genome position (GRCh38, 1-based): chrX:18,924,062, C>T on the plus strand (G>A on the coding strand, the complement: PHKA2 is on the minus strand). VCF-style: chrX-18924062-C-T. GRCh37 (hg19) VCF-style: chrX-18942180-C-T.
Other names: c.1787G>A (NM_000292.2); short protein forms G596E.
Identifiers: ClinVar variation 3063982 (VCV003063982.2), dbSNP rs2518687825, ClinGen allele CA412390692.
Genomic context (GRCh38, chrX:18,924,062, plus strand): 5'-ACTTTAAGAAAGGTCAGTGCTACTCTTATATTTTTTAAAAAAATCACAAATTACCTGGCT[C>T]CTCCAAAATATCCATCCTCTAGTTTTCTAATTGTGGAGAGCACAGCAGAATGAATGTCTG-3'
Protein context (NP_000283.1, residues 586-606): IRKLEDGYFG[Gly596Glu]ARVKLGNLSE

ClinVar aggregate classification (germline): Uncertain significance. Review status: criteria provided, multiple submitters, no conflicts (2 of 4 stars). 2 submissions from 2 submitters: Uncertain significance (2). Last evaluated 2024-10-19.

Conditions:
Inborn genetic diseases. Identifiers: MedGen C0950123, MeSH D030342.

Allele frequency attached by ClinVar (database versions not stated): gnomAD exomes below 0.00001.

Submissions (2):

Ambry Genetics
Classification: Uncertain significance for Inborn genetic diseases. Last evaluated: 2024-10-19. Review status: criteria provided, single submitter. Criteria: Ambry Variant Classification Scheme 2023. Collection method: clinical testing. Allele origin: germline.

Women's Health and Genetics/Laboratory Corporation of America, LabCorp
Classification: Uncertain significance. Last evaluated: 2024-01-19. Review status: criteria provided, single submitter. Criteria: LabCorp Variant Classification Summary - May 2015. Collection method: clinical testing. Allele origin: germline.
Comment: Variant summary: PHKA2 c.1787G>A (p.Gly596Glu) results in a non-conservative amino acid change in GH15-like domain (IPR011613) of the encoded protein sequence. Five of five in-silico tools predict a damaging effect of the variant on protein function. The variant was absent in 205253 control chromosomes. The available data on variant occurrences in the general population are insufficient to allow any conclusion about variant significance. To our knowledge, no occurrence of c.1787G>A in individuals affected with Glycogen Storage Disease, Type IXa1 and no experimental evidence demonstrating its impact on protein function have been reported. No submitters have cited clinical-significance assessments for this variant to ClinVar. Based on the evidence outlined above, the variant was classified as uncertain significance.